The following is an entry in ClinVar:

NM_194436.3(LDHD):c.1319C>T (p.Thr440Met)

Gene: LDHD (lactate dehydrogenase D; minus strand). Cytogenetic location: 16q23.1.
Variant type: single nucleotide variant.
Coding change: c.1319C>T on transcript NM_194436.3 (MANE Select); coding-DNA position 1319, C replaced by T.
Protein change: p.Thr440Met; replaces threonine 440 with methionine.
Molecular consequence: missense variant.
Genome position (GRCh38, 1-based): chr16:75,112,492, G>A on the plus strand (C>T on the coding strand, the complement: LDHD is on the minus strand). VCF-style: chr16-75112492-G-A. GRCh37 (hg19) VCF-style: chr16-75146390-G-A.
Other names: c.1388C>T, p.Thr463Met (NM_153486.4); short protein forms T463M, T440M.
Identifiers: ClinVar variation 586969 (VCV000586969.12), dbSNP rs764877688, ClinGen allele CA8172182.

ClinVar aggregate classification (germline): Likely pathogenic. Review status: criteria provided, multiple submitters, no conflicts (2 of 4 stars). 5 submissions from 5 submitters: Likely pathogenic (3). 2 of the submissions do not count toward it. Last evaluated 2025-08-04.

Conditions:
Abnormal circulating lactate dehydrogenase concentration. Also called: Abnormal lactate dehydrogenase activity. Identifiers: MedGen C4073168, HP:0045040.
Lactic aciduria due to D-lactic acid. Identifiers: MedGen C5193006, MONDO:0009505, OMIM 245450.

Allele frequency attached by ClinVar (database versions not stated): ExAC 0.00007; TOPMed 0.00010; gnomAD 0.00012.

Submissions (5):

First Genomix Gene Laboratory, Genetic Diagnostics Department
Classification: Likely pathogenic for Lactic aciduria due to D-lactic acid. Last evaluated: 2025-08-04. Review status: criteria provided, single submitter. Criteria: ACMG Guidelines, 2015. Collection method: clinical testing. Allele origin: germline. Inheritance: Autosomal recessive inheritance. Affected: no. Observed: 1 variant allele.

Institute of Human Genetics, University of Leipzig Medical Center
Classification: Likely pathogenic for Lactic aciduria due to D-lactic acid. Last evaluated: 2024-10-15. Review status: criteria provided, single submitter. Criteria: ACMG Guidelines, 2015. Collection method: clinical testing. Allele origin: paternal. Inheritance: Autosomal recessive inheritance. Affected: yes.
Comment: Criteria applied: PM3_STR,PM2,PS3_SUP,PP3,PP4

SIB Swiss Institute of Bioinformatics
Classification: Likely pathogenic for Lactic aciduria due to D-lactic acid. Last evaluated: 2019-08-09. Review status: criteria provided, single submitter. Criteria: ACMG Guidelines, 2015. Collection method: curation. Allele origin: unknown.
Comment: This variant is interpreted as a Likely pathogenic for D-lactic aciduria, autosomal recessive. The following ACMG Tag(s) were applied: PM2, PP3, PS3.

OMIM
Classification: Pathogenic for D-LACTIC ACIDURIA. Last evaluated: 2024-11-20. Review status: no assertion criteria provided. Collection method: literature only. Allele origin: germline. Not counted in ClinVar's aggregate classification.

van Haaften laboratory, University Medical Center Utrecht
Classification: Uncertain significance for Abnormal circulating lactate dehydrogenase concentration. Review status: no assertion criteria provided. Collection method: research. Allele origin: inherited. Affected: yes. Observed: 1 homozygote. Not counted in ClinVar's aggregate classification.

Literature cited by the submitters: PubMed 30931947 (cited by SIB Swiss Institute of Bioinformatics and OMIM); PubMed 832430 (cited by OMIM).